The following is an entry in ClinVar:

NM_000548.5(TSC2):c.2838-16C>T

Gene: TSC2 (TSC complex subunit 2; plus strand). Cytogenetic location: 16p13.3.
Variant type: single nucleotide variant.
Coding change: c.2838-16C>T on transcript NM_000548.5 (MANE Select); 16 bases into the intron before coding-DNA position 2838, C replaced by T.
Molecular consequence: intron variant.
Genome position (GRCh38, 1-based): chr16:2,077,582, C>T. VCF-style: chr16-2077582-C-T. GRCh37 (hg19) VCF-style: chr16-2127583-C-T.
Other names: c.2838-16C>T (NM_001114382.3); c.2837+997C>T (NM_021055.3, NM_001370405.1, NM_001363528.2 and 2 more transcripts); c.2726+997C>T (NM_001318827.2); c.2237+997C>T (NM_001318831.2); c.2690+997C>T (NM_001318829.2); c.2870+997C>T (NM_001318832.2).
Identifiers: ClinVar variation 668449 (VCV000668449.9), dbSNP rs778996893, ClinGen allele CA042243.

ClinVar aggregate classification (germline): Likely benign. Review status: criteria provided, multiple submitters, no conflicts (2 of 4 stars). 3 submissions from 3 submitters: Likely benign (3). Last evaluated 2025-12-29.

Conditions:
Tuberous sclerosis 2 (TSC2). Identifiers: Orphanet 805, MedGen C1860707, MONDO:0013199, OMIM 613254.

Allele frequency attached by ClinVar (database versions not stated): gnomAD exomes 0.00001; TOPMed 0.00001; ExAC 0.00002.
gnomAD v4.1: 12 of 1,612,706 alleles (0.00074%); highest among the groups gnomAD compares: Non-Finnish European, 0.001%; no homozygotes.

Submissions (3):

Labcorp Genetics (formerly Invitae), Labcorp
Classification: Likely benign for Tuberous sclerosis 2. Last evaluated: 2025-12-29. Review status: criteria provided, single submitter. Criteria: Invitae Variant Classification Sherloc (09022015). Collection method: clinical testing. Allele origin: germline.

Myriad Genetics, Inc.
Classification: Likely benign for Tuberous sclerosis 2. Last evaluated: 2025-05-27. Review status: criteria provided, single submitter. Criteria: Myriad Autosomal Dominant, Autosomal Recessive and X-Linked Classification Criteria (2023). Collection method: clinical testing. Allele origin: unknown.
Comment: This variant is considered likely benign. This variant is intronic and is not expected to impact mRNA splicing.

GeneDx
Classification: Likely benign. Last evaluated: 2018-05-18. Review status: criteria provided, single submitter. Criteria: GeneDx Variant Classification (06012015). Collection method: clinical testing. Allele origin: germline. Affected: yes.
Comment: This variant is considered likely benign or benign based on one or more of the following criteria: it is a conservative change, it occurs at a poorly conserved position in the protein, it is predicted to be benign by multiple in silico algorithms, and/or has population frequency not consistent with disease.